The following is an entry in ClinVar:

NM_007078.3(LDB3):c.1857+32_1857+33del

Gene: LDB3 (LIM domain binding 3; plus strand). Cytogenetic location: 10q23.2.
Variant type: Deletion.
Coding change: c.1857+32_1857+33del on transcript NM_007078.3 (MANE Select); bases 32 to 33 of the intron after coding-DNA position 1857, 2 bases deleted (AT; older notation c.1857+32_1857+33delAT).
Molecular consequence: intron variant.
Genome position (GRCh38, 1-based): chr10:86,718,176-86,718,177, AT deleted. VCF-style (leftmost placement, unchanged base first): chr10-86718175-CAT-C. GRCh37 (hg19) VCF-style: chr10-88477932-CAT-C.
Other names: c.1668+32_1668+33del (NM_001368064.1, NM_001368065.1); c.1872+32_1872+33del (NM_001171610.2); c.1716+32_1716+33del (NM_001368066.1); c.1527+32_1527+33del (NM_001080114.2).
Identifiers: ClinVar variation 675793 (VCV000675793.1), dbSNP rs149127817, ClinGen allele CA5585240.

ClinVar aggregate classification (germline): Likely benign (1 of 4 stars; one submission).

Allele frequency attached by ClinVar (database versions not stated): gnomAD exomes 0.00097 and 0.00276; ESP Exome Variant Server 0.00216; gnomAD 0.00225 and 0.00257; ExAC 0.00271; TOPMed 0.00274; 1000 Genomes Project 30x 0.00796; 1000 Genomes Project 0.00799.

Submission:

GeneDx
Classification: Likely benign. Last evaluated: 2018-06-14. Review status: criteria provided, single submitter. Criteria: GeneDx Variant Classification (06012015). Collection method: clinical testing. Allele origin: germline. Affected: yes.
Comment: This variant is considered likely benign or benign based on one or more of the following criteria: it is a conservative change, it occurs at a poorly conserved position in the protein, it is predicted to be benign by multiple in silico algorithms, and/or has population frequency not consistent with disease.